The following is an entry in ClinVar:

ClinVar aggregate classification (germline): Likely benign. Review status: criteria provided, multiple submitters, no conflicts (2 of 4 stars). 2 submissions from 2 submitters: Likely benign (2). Last evaluated 2025-04-28.

Conditions:
Cornelia de Lange syndrome 4 (CDLS4). Also called: CORNELIA DE LANGE SYNDROME 4 WITH OR WITHOUT MIDLINE BRAIN DEFECTS; RAD21-Related Cornelia de Lange Syndrome. Identifiers: Orphanet 199, MedGen C3553517, MONDO:0013864, OMIM 614701.

Allele frequency attached by ClinVar (database versions not stated): gnomAD exomes below 0.00001; TOPMed 0.00001.

Submissions (2):

Labcorp Genetics (formerly Invitae), Labcorp
Classification: Likely benign for Cornelia de Lange syndrome 4. Last evaluated: 2025-04-28. Review status: criteria provided, single submitter. Criteria: Invitae Variant Classification Sherloc (09022015). Collection method: clinical testing. Allele origin: germline.

Women's Health and Genetics/Laboratory Corporation of America, LabCorp
Classification: Likely benign. Last evaluated: 2024-07-23. Review status: criteria provided, single submitter. Criteria: LabCorp Variant Classification Summary - May 2015. Collection method: clinical testing. Allele origin: germline.
Comment: Variant summary: RAD21 c.1895A>G alters a conserved nucleotide resulting in a synonymous change. Consensus agreement among computation tools predict no significant impact on normal splicing. However, these predictions have yet to be confirmed by functional studies. The variant allele was found at a frequency of 8.2e-06 in 244604 control chromosomes. The available data on variant occurrences in the general population are insufficient to allow any conclusion about variant significance. To our knowledge, no occurrence of c.1895A>G in individuals affected with Cornelia De Lange Syndrome 4 and no experimental evidence demonstrating its impact on protein function have been reported. ClinVar contains an entry for this variant (Variation ID: 1991742). Based on the evidence outlined above, the variant was classified as likely benign.

NM_006265.3(RAD21):c.1895A>G (p.Ter632=)

Gene: RAD21 (RAD21 cohesin complex component; minus strand). Cytogenetic location: 8q24.11.
Variant type: single nucleotide variant.
Coding change: c.1895A>G on transcript NM_006265.3 (MANE Select); coding-DNA position 1895, A replaced by G.
Protein change: p.Ter632=.
Molecular consequence: synonymous variant.
Genome position (GRCh38, 1-based): chr8:116,847,501, T>C on the plus strand (A>G on the coding strand, the complement: RAD21 is on the minus strand). VCF-style: chr8-116847501-T-C. GRCh37 (hg19) VCF-style: chr8-117859740-T-C.
Identifiers: ClinVar variation 1991742 (VCV001991742.5), dbSNP rs1315026169, ClinGen allele CA462497636.